The following is an entry in ClinVar:

ClinVar aggregate classification (germline): Likely benign. Review status: criteria provided, multiple submitters, no conflicts (2 of 4 stars). 3 submissions from 3 submitters: Likely benign (3). Last evaluated 2025-06-12.

Conditions:
Methylmalonic acidemia with homocystinuria, type cblJ (MAHCJ). Also called: METHYLMALONIC ACIDURIA AND HOMOCYSTINURIA, cblJ TYPE. Identifiers: Orphanet 369955, MedGen C3553915, MONDO:0013925, OMIM 614857.

Allele frequency attached by ClinVar (database versions not stated): gnomAD 0.00001; gnomAD exomes 0.00002; TOPMed 0.00002.
gnomAD v4.1: 29 of 1,613,260 alleles (0.0018%); highest among the groups gnomAD compares: Non-Finnish European, 0.0022%; no homozygotes.

Submissions (3):

Labcorp Genetics (formerly Invitae), Labcorp
Classification: Likely benign for Methylmalonic acidemia with homocystinuria, type cblJ. Last evaluated: 2025-06-12. Review status: criteria provided, single submitter. Criteria: Invitae Variant Classification Sherloc (09022015). Collection method: clinical testing. Allele origin: germline.

CeGaT Center for Human Genetics Tuebingen
Classification: Likely benign. Last evaluated: 2022-08-01. Review status: criteria provided, single submitter. Criteria: CeGaT Center For Human Genetics Tuebingen Variant Classification Criteria Version 2. Collection method: clinical testing. Allele origin: germline. Affected: yes. Observed: 1 variant allele.
Comment: ABCD4: BP4, BP7

Blueprint Genetics
Classification: Likely benign. Last evaluated: 2020-10-22. Review status: criteria provided, single submitter. Criteria: ACMG Guidelines, 2015. Collection method: clinical testing. Allele origin: germline.

NM_005050.4(ABCD4):c.1503C>A (p.Gly501=)

Gene: ABCD4 (ATP binding cassette subfamily D member 4; minus strand). Cytogenetic location: 14q24.3.
Variant type: single nucleotide variant.
Coding change: c.1503C>A on transcript NM_005050.4 (MANE Select); coding-DNA position 1503, C replaced by A.
Protein change: p.Gly501=; no amino-acid change (glycine 501 retained).
Molecular consequence: synonymous variant. On other transcripts: non-coding transcript variant (10).
Genome position (GRCh38, 1-based): chr14:74,288,719, G>T on the plus strand (C>A on the coding strand, the complement: ABCD4 is on the minus strand). VCF-style: chr14-74288719-G-T. GRCh37 (hg19) VCF-style: chr14-74755422-G-T.
Other names: c.1377C>A, p.Gly459= (NM_001353591.2, NM_001353592.2); c.1242C>A, p.Gly414= (NM_001353593.2); c.1191C>A, p.Gly397= (NM_001353594.2); c.1089C>A, p.Gly363= (NM_001353595.2, NM_001353596.2); c.1038C>A, p.Gly346= (NM_001353597.2); c.1026C>A, p.Gly342= (NM_001353598.2, NM_001353599.2, NM_001353600.2 and 2 more transcripts); c.714C>A, p.Gly238= (NM_001353602.2, NM_001353603.2, NM_001353604.2 and 6 more transcripts); c.1374C>A, p.Gly458= (NM_020323.1); and 1 more.
Identifiers: ClinVar variation 2644367 (VCV002644367.26), dbSNP rs757278296, ClinGen allele CA7266757.